The following is an entry in ClinVar:

ClinVar aggregate classification (germline): Likely pathogenic (1 of 4 stars; one submission).

Conditions:
Glycogen storage disease, type II (IOPD). Also called: Pompe Disease; CARDIOMEGALIA GLYCOGENICA DIFFUSA; GLYCOGENOSIS, GENERALIZED, CARDIAC FORM; GSD II; POMPE DISEASE, INFANTILE-ONSET; GLYCOGEN STORAGE DISEASE II, INFANTILE-ONSET. Identifiers: Orphanet 365, MedGen C0017921, MONDO:0009290, OMIM 232300.

Submission:

Genomenon, Inc
Classification: Likely pathogenic for Glycogen storage disease, type II. Last evaluated: 2026-07-01. Review status: criteria provided, single submitter. Criteria: Genomenon Sequence Variant Interpretation Standards - Updated. Collection method: curation. Allele origin: germline. Affected: no.
Comment: GAA p.Trp376SerfsTer15 (c.1127_1130del) is a frameshift variant that is predicted to introduce a premature termination codon and result in a truncated or absent protein product. This variant has been reported in the published literature (PMID:31342611;33560568). It is absent or not present at a significant frequency in gnomAD. In conclusion, we classify GAA p.Trp376SerfsTer15 (c.1127_1130del) as a likely pathogenic variant.

Literature cited by the submitters: PubMed 31342611; PubMed 33560568.

NM_000152.5(GAA):c.1127_1130del (p.Trp376fs)

Gene: GAA (alpha glucosidase; plus strand). Cytogenetic location: 17q25.3.
Variant type: Deletion.
Coding change: c.1127_1130del on transcript NM_000152.5 (MANE Select); coding-DNA positions 1127 to 1130, 4 bases deleted (GGGG; older notation c.1127_1130delGGGG).
Protein change: p.Trp376fs; shifts the reading frame from tryptophan 376.
Molecular consequence: frameshift variant.
Genome position (GRCh38, 1-based): chr17:80,108,540-80,108,543, GGGG deleted. VCF-style (leftmost placement, unchanged base first): chr17-80108539-TGGGG-T. GRCh37 (hg19) VCF-style: chr17-78082338-TGGGG-T.
Other names: c.1127_1130del, p.Trp376fs (NM_001079803.3, NM_001079804.3, NM_001406741.1 and 1 more transcripts); short protein forms W376fs.
Identifiers: ClinVar variation 4876308 (VCV004876308.1).